The following is an entry in ClinVar:

NM_000163.5(GHR):c.1286A>T (p.Lys429Met)

Gene: GHR (growth hormone receptor; plus strand). Cytogenetic location: 5p12.
Variant type: single nucleotide variant.
Coding change: c.1286A>T on transcript NM_000163.5 (MANE Select); coding-DNA position 1286, A replaced by T.
Protein change: p.Lys429Met; replaces lysine 429 with methionine.
Molecular consequence: missense variant. On other transcripts: 3 prime UTR variant (1).
Genome position (GRCh38, 1-based): chr5:42,718,793, A>T. VCF-style: chr5-42718793-A-T. GRCh37 (hg19) VCF-style: chr5-42718895-A-T.
Other names: c.1307A>T, p.Lys436Met (NM_001242399.2); c.1286A>T, p.Lys429Met (NM_001242400.2, NM_001242401.4, NM_001242402.2 and 4 more transcripts); c.1220A>T, p.Lys407Met (NM_001242460.2); c.*328A>T (NM_001242462.1); short protein forms K407M, K436M, K429M.
Identifiers: ClinVar variation 2831016 (VCV002831016.3), dbSNP rs2530779372, ClinGen allele CA359629887.

ClinVar aggregate classification (germline): Uncertain significance (1 of 4 stars; one submission).

Allele frequency attached by ClinVar (database versions not stated): gnomAD exomes 0.00001.
gnomAD v4.1: 12 of 1,614,200 alleles (0.00074%); highest among the groups gnomAD compares: Non-Finnish European, 0.001%; no homozygotes.

Submission:

Labcorp Genetics (formerly Invitae), Labcorp
Classification: Uncertain significance. Last evaluated: 2023-08-17. Review status: criteria provided, single submitter. Criteria: Invitae Variant Classification Sherloc (09022015). Collection method: clinical testing. Allele origin: germline.
Comment: In summary, the available evidence is currently insufficient to determine the role of this variant in disease. Therefore, it has been classified as a Variant of Uncertain Significance. An algorithm developed to predict the effect of missense changes on protein structure and function (PolyPhen-2) suggests that this variant is likely to be disruptive. This variant has not been reported in the literature in individuals affected with GHR-related conditions. This variant is not present in population databases (gnomAD no frequency). This sequence change replaces lysine, which is basic and polar, with methionine, which is neutral and non-polar, at codon 429 of the GHR protein (p.Lys429Met).